The following is an entry in ClinVar:

NM_020436.5(SALL4):c.438G>C (p.Lys146Asn)

Gene: SALL4 (spalt like transcription factor 4; minus strand). Cytogenetic location: 20q13.2.
Variant type: single nucleotide variant.
Coding change: c.438G>C on transcript NM_020436.5 (MANE Select); coding-DNA position 438, G replaced by C.
Protein change: p.Lys146Asn; replaces lysine 146 with asparagine.
Molecular consequence: missense variant.
Genome position (GRCh38, 1-based): chr20:51,792,045, C>G on the plus strand (G>C on the coding strand, the complement: SALL4 is on the minus strand). VCF-style: chr20-51792045-C-G. GRCh37 (hg19) VCF-style: chr20-50408584-C-G.
Other names: c.438G>C, p.Lys146Asn (NM_001318031.2); short protein forms K146N.
Identifiers: ClinVar variation 4997350 (VCV004997350.1).

ClinVar aggregate classification (germline): Uncertain significance (1 of 4 stars; one submission).

Conditions:
SALL4-Related Disorders. Also called: SALL4-related disorder; SALL4-related condition. Identifiers: MedGen CN381056.

Submission:

PreventionGenetics, part of Exact Sciences
Classification: Uncertain significance for SALL4-related condition. Last evaluated: 2026-07-09. Review status: criteria provided, single submitter. Criteria: ACMG Guidelines, 2015. Collection method: clinical testing. Allele origin: germline.
Comment: The SALL4 c.438G>C variant is predicted to result in the amino acid substitution p.Lys146Asn. To our knowledge, this variant has not been reported in the literature or in a large population database (gnomAD), indicating this variant is rare. At this time, the clinical significance of this variant is uncertain due to the absence of conclusive functional and genetic evidence.